The following is an entry in ClinVar:

ClinVar aggregate classification (germline): Uncertain significance (1 of 4 stars; one submission).

Conditions:
PKD1-related disorder. Also called: PKD1-related condition.

Submission:

PreventionGenetics, part of Exact Sciences
Classification: Uncertain significance for PKD1-related condition. Last evaluated: 2023-07-31. Review status: criteria provided, single submitter. Criteria: ACMG Guidelines, 2015. Collection method: clinical testing. Allele origin: germline.
Comment: The PKD1 c.11036T>A variant is predicted to result in the amino acid substitution p.Leu3679His. To our knowledge, this variant has not been reported in the literature or in a large population database, indicating this variant is rare. At this time, the clinical significance of this variant is uncertain due to the absence of conclusive functional and genetic evidence.

NM_001009944.3(PKD1):c.11036T>A (p.Leu3679His)

Genes: PKD1 (polycystin 1, transient receptor potential channel interacting; minus strand), PKD1-AS1 (PKD1 antisense RNA 1; plus strand). Cytogenetic location: 16p13.3.
Variant type: single nucleotide variant.
Coding change: c.11036T>A on transcript NM_001009944.3 (MANE Select); coding-DNA position 11036, T replaced by A.
Protein change: p.Leu3679His; replaces leucine 3679 with histidine.
Molecular consequence: missense variant.
Genome position (GRCh38, 1-based): chr16:2,093,074, A>T on the plus strand (T>A on the coding strand, the complement: PKD1 is on the minus strand). VCF-style: chr16-2093074-A-T. GRCh37 (hg19) VCF-style: chr16-2143075-A-T.
Other names: c.11033T>A, p.Leu3678His (NM_000296.4); short protein forms L3678H, L3679H.
Identifiers: ClinVar variation 2631176 (VCV002631176.1), dbSNP rs2544639255, ClinGen allele CA394337423.